The following is an entry in ClinVar:

ClinVar aggregate classification (germline): Uncertain significance (1 of 4 stars; one submission).

Conditions:
Hereditary cancer-predisposing syndrome. Also called: Neoplastic Syndromes, Hereditary; Hereditary Cancer Syndrome; Tumor predisposition; Hereditary neoplastic syndrome. Identifiers: Orphanet 140162, MedGen C0027672, MeSH D009386, MONDO:0015356.

Submission:

Ambry Genetics
Classification: Uncertain significance for Hereditary cancer-predisposing syndrome. Last evaluated: 2025-01-20. Review status: criteria provided, single submitter. Criteria: Ambry Variant Classification Scheme 2023. Collection method: clinical testing. Allele origin: germline.
Comment: The p.L701W variant (also known as c.2102T>G), located in coding exon 13 of the RAD50 gene, results from a T to G substitution at nucleotide position 2102. The leucine at codon 701 is replaced by tryptophan, an amino acid with similar properties. This amino acid position is conserved. In addition, this alteration is predicted to be tolerated by in silico analysis. Based on the available evidence, the clinical significance of this variant remains unclear.

NM_005732.4(RAD50):c.2102T>G (p.Leu701Trp)

Gene: RAD50 (RAD50 double strand break repair protein; plus strand). Cytogenetic location: 5q31.1.
Variant type: single nucleotide variant.
Coding change: c.2102T>G on transcript NM_005732.4 (MANE Select); coding-DNA position 2102, T replaced by G.
Protein change: p.Leu701Trp; replaces leucine 701 with tryptophan.
Molecular consequence: missense variant.
Genome position (GRCh38, 1-based): chr5:132,595,705, T>G. VCF-style: chr5-132595705-T-G. GRCh37 (hg19) VCF-style: chr5-131931397-T-G.
Other names: short protein forms L701W.
Identifiers: ClinVar variation 3786296 (VCV003786296.1).